The following is an entry in ClinVar:

NM_001939.3(DRP2):c.2211CTT[1] (p.Phe739del)

Gene: DRP2 (dystrophin related protein 2; plus strand). Cytogenetic location: Xq22.1.
Variant type: Microsatellite.
Coding change: c.2211CTT[1] on transcript NM_001939.3 (MANE Select); one copy of the 3-base unit CTT starting at c.2211; the reference has two copies in a row; one copy, 3 bases deleted.
Protein change: p.Phe739del; deletes phenylalanine 739.
Molecular consequence: inframe deletion.
Genome position (GRCh38, 1-based): chrX:101,255,217-101,255,219, CTT deleted; deleting any 3 consecutive bases within chrX:101,255,214-101,255,219 gives the same sequence; the position shown is the placement nearest the transcript's 3' end. VCF-style (leftmost placement, unchanged base first): chrX-101255213-CCTT-C. GRCh37 (hg19) VCF-style: chrX-100510202-CCTT-C.
Other names: c.1977CTT[1], p.Phe661del (NM_001171184.2); short protein forms F661del, F739del.
Identifiers: ClinVar variation 5043294 (VCV005043294.1).

ClinVar aggregate classification (germline): Uncertain significance (1 of 4 stars; one submission).

Conditions:
Charcot-Marie-Tooth disease. Also called: Charcot-Marie-Tooth Neuropathy; Charcot-Marie-Tooth Hereditary Neuropathy. Identifiers: Orphanet 166, MedGen C0007959, MONDO:0015626.

Submission:

Laboratory of Functional Genomics, Research Centre for Medical Genetics
Classification: Uncertain significance for Charcot-Marie-Tooth disease. Last evaluated: 2026-11-11. Review status: criteria provided, single submitter. Criteria: ACMG Guidelines, 2015. Collection method: curation. Allele origin: maternal. Inheritance: X-linked inheritance. Affected: yes. Observed: 1 variant allele, 1 hemizygote.
Comment: The DRP2 NM_001939.2:c.2214_2216del variant is absent from gnomAD v4 (PM2_Supporting) and causes a one-amino-acid in-frame deletion outside a repetitive region (PM4). PP1 was not applied because the available segregation evidence is limited to one informative meiosis, insufficient to reach the supporting-level threshold. PP3 was not applied because the available computational predictors have not been adequately calibrated for in-frame deletion variants. The variant is therefore classified as a Variant of Uncertain Significance (VUS) (PM2_Supporting, PM4).

Literature cited by the submitters: DOI 10.22038/ijbms.2019.30754.7414.